The following is an entry in ClinVar:

ClinVar aggregate classification (germline): Uncertain significance (1 of 4 stars; one submission).

Allele frequency attached by ClinVar (database versions not stated): ExAC 0.00002.

Submission:

Labcorp Genetics (formerly Invitae), Labcorp
Classification: Uncertain significance. Last evaluated: 2022-08-15. Review status: criteria provided, single submitter. Criteria: Invitae Variant Classification Sherloc (09022015). Collection method: clinical testing. Allele origin: germline.
Comment: This sequence change replaces glycine, which is neutral and non-polar, with arginine, which is basic and polar, at codon 128 of the ASAH1 protein (p.Gly128Arg). This variant also falls at the last nucleotide of exon 5, which is part of the consensus splice site for this exon. This variant is present in population databases (rs771175027, gnomAD 0.003%). This variant has not been reported in the literature in individuals affected with ASAH1-related conditions. Algorithms developed to predict the effect of missense changes on protein structure and function (SIFT, PolyPhen-2, Align-GVGD) all suggest that this variant is likely to be disruptive. Variants that disrupt the consensus splice site are a relatively common cause of aberrant splicing (PMID: 17576681, 9536098). Algorithms developed to predict the effect of sequence changes on RNA splicing suggest that this variant may disrupt the consensus splice site. In summary, the available evidence is currently insufficient to determine the role of this variant in disease. Therefore, it has been classified as a Variant of Uncertain Significance.

Literature cited by the submitters: PubMed 17576681; PubMed 9536098.

NM_177924.5(ASAH1):c.382G>A (p.Gly128Arg)

Gene: ASAH1 (N-acylsphingosine amidohydrolase 1; minus strand). Cytogenetic location: 8p22.
Variant type: single nucleotide variant.
Coding change: c.382G>A on transcript NM_177924.5 (MANE Select); coding-DNA position 382, G replaced by A.
Protein change: p.Gly128Arg; replaces glycine 128 with arginine.
Molecular consequence: missense variant.
Genome position (GRCh38, 1-based): chr8:18,067,220, C>T on the plus strand (G>A on the coding strand, the complement: ASAH1 is on the minus strand). VCF-style: chr8-18067220-C-T. GRCh37 (hg19) VCF-style: chr8-17924729-C-T.
Other names: c.364G>A, p.Gly122Arg (NM_001127505.3); c.187G>A, p.Gly63Arg (NM_001363743.2); c.430G>A, p.Gly144Arg (NM_004315.6); short protein forms G63R, G144R, G122R, G128R.
Identifiers: ClinVar variation 2089933 (VCV002089933.4), dbSNP rs771175027, ClinGen allele CA4650895.